The following is an entry in ClinVar:

ClinVar aggregate classification (germline): Uncertain significance (1 of 4 stars; one submission).

Submission:

Labcorp Genetics (formerly Invitae), Labcorp
Classification: Uncertain significance. Last evaluated: 2021-09-18. Review status: criteria provided, single submitter. Criteria: Invitae Variant Classification Sherloc (09022015). Collection method: clinical testing. Allele origin: germline.
Comment: In summary, the available evidence is currently insufficient to determine the role of this variant in disease. Therefore, it has been classified as a Variant of Uncertain Significance. Algorithms developed to predict the effect of missense changes on protein structure and function are either unavailable or do not agree on the potential impact of this missense change (SIFT: "Deleterious"; PolyPhen-2: "Probably Damaging"; Align-GVGD: "Class C0"). This variant has not been reported in the literature in individuals affected with NKX6-2-related conditions. This variant is not present in population databases (ExAC no frequency). This sequence change replaces tryptophan with arginine at codon 195 of the NKX6-2 protein (p.Trp195Arg). The tryptophan residue is highly conserved and there is a moderate physicochemical difference between tryptophan and arginine.

NM_177400.3(NKX6-2):c.583T>C (p.Trp195Arg)

Gene: NKX6-2 (NK6 homeobox 2; minus strand). Cytogenetic location: 10q26.3.
Variant type: single nucleotide variant.
Coding change: c.583T>C on transcript NM_177400.3 (MANE Select); coding-DNA position 583, T replaced by C.
Protein change: p.Trp195Arg; replaces tryptophan 195 with arginine.
Molecular consequence: missense variant.
Genome position (GRCh38, 1-based): chr10:132,785,167, A>G on the plus strand (T>C on the coding strand, the complement: NKX6-2 is on the minus strand). VCF-style: chr10-132785167-A-G. GRCh37 (hg19) VCF-style: chr10-134598671-A-G.
Other names: short protein forms W195R.
Identifiers: ClinVar variation 1427917 (VCV001427917.6), dbSNP rs2134706166, ClinGen allele CA378769407.